The following is an entry in ClinVar:

NM_014283.5(SUCO):c.3082C>A (p.Leu1028Ile)

Gene: SUCO (SUN domain containing ossification factor; plus strand). Cytogenetic location: 1q24.3.
Variant type: single nucleotide variant.
Coding change: c.3082C>A on transcript NM_014283.5 (MANE Select); coding-DNA position 3082, C replaced by A.
Protein change: p.Leu1028Ile; replaces leucine 1028 with isoleucine.
Molecular consequence: missense variant.
Genome position (GRCh38, 1-based): chr1:172,602,127, C>A. VCF-style: chr1-172602127-C-A. GRCh37 (hg19) VCF-style: chr1-172571267-C-A.
Other names: c.1969C>A, p.Leu657Ile (NM_001282750.2); c.1393C>A, p.Leu465Ile (NM_001282751.2); c.3535C>A, p.Leu1179Ile (NM_016227.4); short protein forms L1028I, L1179I, L465I, L657I.
Identifiers: ClinVar variation 4798515 (VCV004798515.1).

ClinVar aggregate classification (germline): Uncertain significance (1 of 4 stars; one submission).

gnomAD v4.1: 3 of 1,613,524 alleles (0.00019%); highest among the groups gnomAD compares: African/African-American, 0.004%; no homozygotes.

Submission:

Labcorp Genetics (formerly Invitae), Labcorp
Classification: Uncertain significance. Last evaluated: 2025-06-24. Review status: criteria provided, single submitter. Criteria: Invitae Variant Classification Sherloc (09022015). Collection method: clinical testing. Allele origin: germline.
Comment: This sequence change replaces leucine, which is neutral and non-polar, with isoleucine, which is neutral and non-polar, at codon 1028 of the SUCO protein (p.Leu1028Ile). This variant is present in population databases (no rsID available, gnomAD 0.02%). This variant has not been reported in the literature in individuals affected with SUCO-related conditions. An algorithm developed to predict the effect of missense changes on protein structure and function (PolyPhen-2) suggests that this variant is likely to be tolerated. In summary, the available evidence is currently insufficient to determine the role of this variant in disease. Therefore, it has been classified as a Variant of Uncertain Significance.